The following is an entry in ClinVar:

ClinVar aggregate classification (germline): Pathogenic (1 of 4 stars; one submission).

Submission:

Labcorp Genetics (formerly Invitae), Labcorp
Classification: Pathogenic. Last evaluated: 2025-06-10. Review status: criteria provided, single submitter. Criteria: Invitae Variant Classification Sherloc (09022015). Collection method: clinical testing. Allele origin: germline.
Comment: This sequence change creates a premature translational stop signal (p.Gln866*) in the TET2 gene. It is expected to result in an absent or disrupted protein product. Loss-of-function variants in TET2 are known to be pathogenic (PMID: 36066697). This variant is present in population databases (rs776450524, gnomAD 0.01%). This variant has not been reported in the literature in individuals affected with TET2-related conditions. ClinVar contains an entry for this variant (Variation ID: 3698077). For these reasons, this variant has been classified as Pathogenic.

Literature cited by the submitters: PubMed 36066697.

NM_001127208.3(TET2):c.2596C>T (p.Gln866Ter)

Genes: TET2 (tet methylcytosine dioxygenase 2; plus strand), TET2-AS1 (TET2 antisense RNA 1; minus strand). Cytogenetic location: 4q24.
Variant type: single nucleotide variant.
Coding change: c.2596C>T on transcript NM_001127208.3 (MANE Select); coding-DNA position 2596, C replaced by T.
Protein change: p.Gln866Ter; replaces glutamine 866 with a stop codon.
Molecular consequence: nonsense.
Genome position (GRCh38, 1-based): chr4:105,236,538, C>T. VCF-style: chr4-105236538-C-T. GRCh37 (hg19) VCF-style: chr4-106157695-C-T.
Other names: c.2596C>T, p.Gln866Ter (NM_017628.4); short protein forms Q866*.
Identifiers: ClinVar variation 3698077 (VCV003698077.2).